The following is an entry in ClinVar:

NM_014975.3(MAST1):c.1039G>A (p.Gly347Ser)

Gene: MAST1 (microtubule associated serine/threonine kinase 1; plus strand). Cytogenetic location: 19p13.13.
Variant type: single nucleotide variant.
Coding change: c.1039G>A on transcript NM_014975.3 (MANE Select); coding-DNA position 1039, G replaced by A.
Protein change: p.Gly347Ser; replaces glycine 347 with serine.
Molecular consequence: missense variant.
Genome position (GRCh38, 1-based): chr19:12,852,357, G>A. VCF-style: chr19-12852357-G-A. GRCh37 (hg19) VCF-style: chr19-12963171-G-A.
Other names: short protein forms G347S.
Identifiers: ClinVar variation 2631735 (VCV002631735.1), dbSNP rs1969972619, ClinGen allele CA404265704.
Genomic context (GRCh38, chr19:12,852,357, plus strand): 5'-CAGCTCGTGCTCACTCTCAGTCCCTCCCTAGATGTGGTGCATCTGGAGGAACAGGACAGT[G>A]GTGGTTCCAACACCCCTGAGCAAGACGATCTCTCTGAGGTAAGGCTGGGTGGCTAAGCGG-3'
Protein context (NP_055790.1, residues 337-357): DVVHLEEQDS[Gly347Ser]GSNTPEQDDL

ClinVar aggregate classification (germline): Uncertain significance (1 of 4 stars; one submission).

Conditions:
MAST1-related disorder. Also called: MAST1-related condition.

Allele frequency attached by ClinVar (database versions not stated): gnomAD exomes below 0.00001; gnomAD 0.00001.
gnomAD v4.1: 3 of 1,614,000 alleles (0.00019%); highest among the groups gnomAD compares: South Asian, 0.0022%; no homozygotes.

Submission:

PreventionGenetics, part of Exact Sciences
Classification: Uncertain significance for MAST1-related condition. Last evaluated: 2023-08-18. Review status: criteria provided, single submitter. Criteria: ACMG Guidelines, 2015. Collection method: clinical testing. Allele origin: germline.
Comment: The MAST1 c.1039G>A variant is predicted to result in the amino acid substitution p.Gly347Ser. To our knowledge, this variant has not been reported in the literature or in a large population database, indicating this variant is rare. At this time, the clinical significance of this variant is uncertain due to the absence of conclusive functional and genetic evidence.